The following is an entry in ClinVar:

NM_002878.4(RAD51D):c.922A>G (p.Met308Val)

Genes: RAD51D (RAD51 paralog D; minus strand), RAD51L3-RFFL (RAD51L3-RFFL readthrough; minus strand). Cytogenetic location: 17q12.
Variant type: single nucleotide variant.
Coding change: c.922A>G on transcript NM_002878.4 (MANE Select); coding-DNA position 922, A replaced by G.
Protein change: p.Met308Val; replaces methionine 308 with valine.
Molecular consequence: missense variant. On other transcripts: non-coding transcript variant (2).
Genome position (GRCh38, 1-based): chr17:35,101,018, T>C on the plus strand (A>G on the coding strand, the complement: RAD51D is on the minus strand). VCF-style: chr17-35101018-T-C. GRCh37 (hg19) VCF-style: chr17-33428037-T-C.
Other names: c.982A>G, p.Met328Val (NM_001142571.2); c.586A>G, p.Met196Val (NM_133629.3); short protein forms M308V, M196V, M328V.
Identifiers: ClinVar variation 185144 (VCV000185144.18), dbSNP rs786201961, ClinGen allele CA191144.

ClinVar aggregate classification (germline): Conflicting classifications of pathogenicity. Review status: criteria provided, conflicting classifications (1 of 4 stars). 5 submissions from 5 submitters: Uncertain significance (2); Likely benign (3). Last evaluated 2026-01-26.

Conditions:
Hereditary cancer-predisposing syndrome. Also called: Hereditary neoplastic syndrome; Neoplastic Syndromes, Hereditary; Tumor predisposition; Hereditary Cancer Syndrome. Identifiers: Orphanet 140162, MedGen C0027672, MeSH D009386, MONDO:0015356.
Breast-ovarian cancer, familial, susceptibility to, 4. Identifiers: Orphanet 145, MedGen C3280345, MONDO:0013669, OMIM 614291.

Allele frequency attached by ClinVar (database versions not stated): gnomAD exomes below 0.00001; gnomAD 0.00002; TOPMed 0.00002.
gnomAD v4.1: 8 of 1,613,598 alleles (0.0005%); highest among the groups gnomAD compares: African/African-American, 0.004%; no homozygotes.

Submissions (5):

Labcorp Genetics (formerly Invitae), Labcorp
Classification: Uncertain significance for Breast-ovarian cancer, familial, susceptibility to, 4. Last evaluated: 2026-01-26. Review status: criteria provided, single submitter. Criteria: Invitae Variant Classification Sherloc (09022015). Collection method: clinical testing. Allele origin: germline.
Comment: This sequence change replaces methionine, which is neutral and non-polar, with valine, which is neutral and non-polar, at codon 308 of the RAD51D protein (p.Met308Val). This variant is present in population databases (rs786201961, gnomAD 0.01%). This missense change has been observed in individual(s) with ovarian cancer (PMID: 26261251). ClinVar contains an entry for this variant (Variation ID: 185144). Invitae Evidence Modeling of protein sequence and biophysical properties (such as structural, functional, and spatial information, amino acid conservation, physicochemical variation, residue mobility, and thermodynamic stability) indicates that this missense variant is not expected to disrupt RAD51D protein function with a negative predictive value of 80%. In summary, the available evidence is currently insufficient to determine the role of this variant in disease. Therefore, it has been classified as a Variant of Uncertain Significance.

Myriad Genetics, Inc.
Classification: Likely benign for Breast-ovarian cancer, familial, susceptibility to, 4. Last evaluated: 2024-12-19. Review status: criteria provided, single submitter. Criteria: Myriad Autosomal Dominant, Autosomal Recessive and X-Linked Classification Criteria (2023). Collection method: clinical testing. Allele origin: unknown.
Comment: This variant is considered likely benign. This variant is strongly associated with less severe personal and family histories of cancer, typical for individuals without pathogenic variants in this gene [PMID: 25085752].

Women's Health and Genetics/Laboratory Corporation of America, LabCorp
Classification: Uncertain significance. Last evaluated: 2024-09-23. Review status: criteria provided, single submitter. Criteria: LabCorp Variant Classification Summary - May 2015. Collection method: clinical testing. Allele origin: germline.
Comment: Variant summary: RAD51D c.922A>G (p.Met308Val) results in a conservative amino acid change in the encoded protein sequence. Five of five in-silico tools predict a benign effect of the variant on protein function. The variant was absent in 251486 control chromosomes. The available data on variant occurrences in the general population are insufficient to allow any conclusion about variant significance. c.922A>G has been reported in the literature in individuals affected with epithelial ovarian cancer without evidence of causality (e.g. Song_2015). This report does not provide unequivocal conclusions about association of the variant with Hereditary Breast And Ovarian Cancer Syndrome. To our knowledge, no experimental evidence demonstrating an impact on protein function has been reported. The following publication has been ascertained in the context of this evaluation (PMID: 26261251). ClinVar contains an entry for this variant (Variation ID: 185144). Based on the evidence outlined above, the variant was classified as uncertain significance.

Color Diagnostics, LLC DBA Color Health
Classification: Likely benign for Hereditary cancer-predisposing syndrome. Last evaluated: 2024-09-19. Review status: criteria provided, single submitter. Criteria: ACMG Guidelines, 2015. Collection method: clinical testing. Allele origin: germline.

Ambry Genetics
Classification: Likely benign for Hereditary cancer-predisposing syndrome. Last evaluated: 2019-02-04. Review status: criteria provided, single submitter. Criteria: Ambry Variant Classification Scheme 2023. Collection method: clinical testing. Allele origin: germline.

Literature cited by the submitters: PubMed 26261251 (cited by 3 submitters); PubMed 25085752 (cited by Myriad Genetics, Inc.).